The following is an entry in ClinVar:

NM_001457.4(FLNB):c.4202A>G (p.Tyr1401Cys)

Gene: FLNB (filamin B; plus strand). Cytogenetic location: 3p14.3.
Variant type: single nucleotide variant.
Coding change: c.4202A>G on transcript NM_001457.4 (MANE Select); coding-DNA position 4202, A replaced by G.
Protein change: p.Tyr1401Cys; replaces tyrosine 1401 with cysteine.
Molecular consequence: missense variant.
Genome position (GRCh38, 1-based): chr3:58,126,742, A>G. VCF-style: chr3-58126742-A-G. GRCh37 (hg19) VCF-style: chr3-58112469-A-G.
Other names: c.4202A>G, p.Tyr1401Cys (NM_001164317.2, NM_001164318.2, NM_001164319.2); short protein forms Y1401C.
Identifiers: ClinVar variation 4801714 (VCV004801714.1).
Genomic context (GRCh38, chr3:58,126,742, plus strand): 5'-GCAGCTGCAGTGCTGAGTACATTCCTTTCGCACCGGGGGATTACGATGTTAATATCACAT[A>G]TGGAGGAGCCCACATCCCCGGTGAGCTATTCCTCAGAGAGGACCCCAGAGAATAATTGAT-3'
Protein context (NP_001448.2, residues 1391-1411): APGDYDVNIT[Tyr1401Cys]GGAHIPGSPF

ClinVar aggregate classification (germline): Uncertain significance (1 of 4 stars; one submission).

Submission:

Labcorp Genetics (formerly Invitae), Labcorp
Classification: Uncertain significance. Last evaluated: 2025-06-15. Review status: criteria provided, single submitter. Criteria: Invitae Variant Classification Sherloc (09022015). Collection method: clinical testing. Allele origin: germline.
Comment: This sequence change replaces tyrosine, which is neutral and polar, with cysteine, which is neutral and slightly polar, at codon 1401 of the FLNB protein (p.Tyr1401Cys). This variant is not present in population databases (gnomAD no frequency). This variant has not been reported in the literature in individuals affected with FLNB-related conditions. Invitae Evidence Modeling of protein sequence and biophysical properties (such as structural, functional, and spatial information, amino acid conservation, physicochemical variation, residue mobility, and thermodynamic stability) has been performed for this missense variant. However, the output from this modeling did not meet the statistical confidence thresholds required to predict the impact of this variant on FLNB protein function. In summary, the available evidence is currently insufficient to determine the role of this variant in disease. Therefore, it has been classified as a Variant of Uncertain Significance.